The following is an entry in ClinVar:

NM_001243279.3(ACSF3):c.666+20G>A

Gene: ACSF3 (acyl-CoA synthetase family member 3; plus strand). Cytogenetic location: 16q24.3.
Variant type: single nucleotide variant.
Coding change: c.666+20G>A on transcript NM_001243279.3 (MANE Select); 20 bases into the intron after coding-DNA position 666, G replaced by A.
Molecular consequence: intron variant.
Genome position (GRCh38, 1-based): chr16:89,101,367, G>A. VCF-style: chr16-89101367-G-A. GRCh37 (hg19) VCF-style: chr16-89167775-G-A.
Other names: c.666+20G>A (NM_001127214.4, NM_174917.5); c.-129-1237G>A (NM_001284316.2).
Identifiers: ClinVar variation 389177 (VCV000389177.6), dbSNP rs557738566, ClinGen allele CA8237728.
Genomic context (GRCh38, chr16:89,101,367, plus strand): 5'-CCAAGGGCGTGCTGAGCACGCACCAAAACATCAGGGCTGTGGTGAGTGCCGCCTGGCGCC[G>A]TGATGGTTTCGGTGACCGCACAGCACTCCGGGTGGGCTCCGGGCCAGAAGCACATCTTTT-3'

ClinVar aggregate classification (germline): Benign/Likely benign. Review status: criteria provided, multiple submitters, no conflicts (2 of 4 stars). 2 submissions from 2 submitters: Benign (1); Likely benign (1). Last evaluated 2026-01-25.

Conditions:
Combined malonic and methylmalonic acidemia. Identifiers: Orphanet 289504, MedGen C3280314, MONDO:0013661, OMIM 614265.

Allele frequency attached by ClinVar (database versions not stated): gnomAD 0.00001 and 0.00013; TOPMed 0.00006; 1000 Genomes Project 30x 0.00094; 1000 Genomes Project 0.00100; ExAC 0.00163.
gnomAD v4.1: 473 of 1,563,838 alleles (0.03%); highest among the groups gnomAD compares: South Asian, 0.5%; 9 homozygotes.

Submissions (2):

Labcorp Genetics (formerly Invitae), Labcorp
Classification: Benign for Combined malonic and methylmalonic acidemia. Last evaluated: 2026-01-25. Review status: criteria provided, single submitter. Criteria: Invitae Variant Classification Sherloc (09022015). Collection method: clinical testing. Allele origin: germline.

GeneDx
Classification: Likely benign. Last evaluated: 2017-11-02. Review status: criteria provided, single submitter. Criteria: GeneDx Variant Classification (06012015). Collection method: clinical testing. Allele origin: germline. Affected: yes.
Comment: This variant is considered likely benign or benign based on one or more of the following criteria: it is a conservative change, it occurs at a poorly conserved position in the protein, it is predicted to be benign by multiple in silico algorithms, and/or has population frequency not consistent with disease.